The following is an entry in ClinVar:

NM_004526.4(MCM2):c.430G>A (p.Glu144Lys)

Gene: MCM2 (minichromosome maintenance complex component 2; plus strand). Cytogenetic location: 3q21.3.
Variant type: single nucleotide variant.
Coding change: c.430G>A on transcript NM_004526.4 (MANE Select); coding-DNA position 430, G replaced by A.
Protein change: p.Glu144Lys; replaces glutamic acid 144 with lysine.
Molecular consequence: missense variant. On other transcripts: non-coding transcript variant (1).
Genome position (GRCh38, 1-based): chr3:127,604,913, G>A. VCF-style: chr3-127604913-G-A. GRCh37 (hg19) VCF-style: chr3-127323756-G-A.
Other names: short protein forms E144K.
Identifiers: ClinVar variation 1934597 (VCV001934597.5), dbSNP rs139973267, ClinGen allele CA2595583.
Genomic context (GRCh38, chr3:127,604,913, plus strand): 5'-TGCTGGGGATGACCGCAGTAGCAGGTGTCTCTTGCCTCCCCAGACAGCGATGAGGAGGAC[G>A]AGGAGCGCCCTGCCCGCAAGCGCCGCCAGGTGGAGCGGGCCACGGAGGACGGCGAGGAGG-3'
Protein context (NP_004517.2, residues 134-154): GLLYDSDEED[Glu144Lys]ERPARKRRQV

ClinVar aggregate classification (germline): Uncertain significance (1 of 4 stars; one submission).

Allele frequency attached by ClinVar (database versions not stated): TOPMed 0.00001; ExAC 0.00002; ESP Exome Variant Server 0.00008.

Submission:

Labcorp Genetics (formerly Invitae), Labcorp
Classification: Uncertain significance. Last evaluated: 2022-11-22. Review status: criteria provided, single submitter. Criteria: Invitae Variant Classification Sherloc (09022015). Collection method: clinical testing. Allele origin: germline.
Comment: This sequence change replaces glutamic acid, which is acidic and polar, with lysine, which is basic and polar, at codon 144 of the MCM2 protein (p.Glu144Lys). This variant is present in population databases (rs139973267, gnomAD 0.0009%). This variant has not been reported in the literature in individuals affected with MCM2-related conditions. Algorithms developed to predict the effect of missense changes on protein structure and function are either unavailable or do not agree on the potential impact of this missense change (SIFT: "Deleterious"; PolyPhen-2: "Possibly Damaging"; Align-GVGD: "Class C0"). In summary, the available evidence is currently insufficient to determine the role of this variant in disease. Therefore, it has been classified as a Variant of Uncertain Significance.